The following is an entry in ClinVar:

ClinVar aggregate classification (germline): Uncertain significance (1 of 4 stars; one submission).

Conditions:
Autosomal recessive limb-girdle muscular dystrophy type R18 (LGMDR18). Also called: MUSCULAR DYSTROPHY, LIMB-GIRDLE, AUTOSOMAL RECESSIVE 18; Autosomal recessive limb-girdle muscular dystrophy type 2S; Limb-girdle muscular dystrophy, type 2S. Identifiers: Orphanet 369840, MedGen C4517996, MONDO:0014144, OMIM 615356.

Submission:

Labcorp Genetics (formerly Invitae), Labcorp
Classification: Uncertain significance for Autosomal recessive limb-girdle muscular dystrophy type R18. Last evaluated: 2020-08-14. Review status: criteria provided, single submitter. Criteria: Invitae Variant Classification Sherloc (09022015). Collection method: clinical testing. Allele origin: germline.
Comment: This sequence change replaces valine with glycine at codon 948 of the TRAPPC11 protein (p.Val948Gly). The valine residue is moderately conserved and there is a moderate physicochemical difference between valine and glycine. In summary, the available evidence is currently insufficient to determine the role of this variant in disease. Therefore, it has been classified as a Variant of Uncertain Significance. Algorithms developed to predict the effect of missense changes on protein structure and function are either unavailable or do not agree on the potential impact of this missense change (SIFT: "Deleterious"; PolyPhen-2: "Benign"; Align-GVGD: "Class C0"). This variant has not been reported in the literature in individuals with TRAPPC11-related conditions. This variant is not present in population databases (ExAC no frequency).

NM_021942.6(TRAPPC11):c.2843T>G (p.Val948Gly)

Gene: TRAPPC11 (trafficking protein particle complex subunit 11; plus strand). Cytogenetic location: 4q35.1.
Variant type: single nucleotide variant.
Coding change: c.2843T>G on transcript NM_021942.6 (MANE Select); coding-DNA position 2843, T replaced by G.
Protein change: p.Val948Gly; replaces valine 948 with glycine.
Molecular consequence: missense variant.
Genome position (GRCh38, 1-based): chr4:183,697,827, T>G. VCF-style: chr4-183697827-T-G. GRCh37 (hg19) VCF-style: chr4-184618980-T-G.
Other names: c.2843T>G, p.Val948Gly (NM_199053.3); short protein forms V948G.
Identifiers: ClinVar variation 1002837 (VCV001002837.9), dbSNP rs1736618609, ClinGen allele CA358873575.